The following is an entry in ClinVar:

NM_004667.6(HERC2):c.5692C>A (p.Leu1898Met)

Gene: HERC2 (HECT and RLD domain containing E3 ubiquitin protein ligase 2; minus strand). Cytogenetic location: 15q13.1.
Variant type: single nucleotide variant.
Coding change: c.5692C>A on transcript NM_004667.6 (MANE Select); coding-DNA position 5692, C replaced by A.
Protein change: p.Leu1898Met; replaces leucine 1898 with methionine.
Molecular consequence: missense variant.
Genome position (GRCh38, 1-based): chr15:28,220,605, G>T on the plus strand (C>A on the coding strand, the complement: HERC2 is on the minus strand). VCF-style: chr15-28220605-G-T. GRCh37 (hg19) VCF-style: chr15-28465751-G-T.
Other names: short protein forms L1898M.
Identifiers: ClinVar variation 3252284 (VCV003252284.1), dbSNP rs145481625.

ClinVar aggregate classification (germline): Uncertain significance (1 of 4 stars; one submission).

Allele frequency attached by ClinVar (database versions not stated): ExAC 0.00003; gnomAD 0.00003; TOPMed 0.00004; ESP Exome Variant Server 0.00023.
gnomAD v4.1: 55 of 1,603,772 alleles (0.0034%); highest among the groups gnomAD compares: Non-Finnish European, 0.00051%; no homozygotes.

Submission:

GeneDx
Classification: Uncertain significance. Last evaluated: 2024-04-13. Review status: criteria provided, single submitter. Criteria: GeneDx Variant Classification Process June 2021. Collection method: clinical testing. Allele origin: germline. Affected: yes.
Comment: In silico analysis indicates that this missense variant does not alter protein structure/function; Has not been previously published as pathogenic or benign to our knowledge